The following is an entry in ClinVar:

ClinVar aggregate classification (germline): Benign. Review status: criteria provided, single submitter (1 of 4 stars). 2 submissions from 2 submitters: Benign (1). 1 of the submissions does not count toward it. Last evaluated 2019-07-12.

Conditions:
Cardiomyopathy, mitochondrial. Also called: Mitochondrial cardiomyopathy disorder; Maternally inherited cardiomyopathy. Identifiers: MedGen C3532239.
MELAS syndrome (MELAS). Also called: Juvenile myopathy, encephalopathy, lactic acidosis, stroke. Identifiers: Orphanet 550, MedGen C0162671, MONDO:0010789, OMIM 540000.

Submissions (2):

Wong Mito Lab, Molecular and Human Genetics, Baylor College of Medicine
Classification: Benign for MELAS syndrome. Last evaluated: 2019-07-12. Review status: criteria provided, single submitter. Criteria: Modified ACMG Guidelines (Unpublished). Collection method: clinical testing. Allele origin: germline.
Comment: The NC_012920.1:m.12297T>C variant in MT-TL2 gene is interpreted to be a Benign variant based on the modified ACMG guidelines (unpublished). This variant meets the following evidence codes reported in the guidelines: BS1, BS2

OMIM
Classification: Pathogenic for CARDIOMYOPATHY, MITOCHONDRIAL. Last evaluated: 2001-04-01. Review status: no assertion criteria provided. Collection method: literature only. Allele origin: germline. Not counted in ClinVar's aggregate classification.

Literature cited by the submitters: PubMed 31965079 (cited by Wong Mito Lab, Molecular and Human Genetics, Baylor College of Medicine); PubMed 21882289 (cited by Wong Mito Lab, Molecular and Human Genetics, Baylor College of Medicine); PubMed 11313776 (cited by OMIM); PubMed 10602359 (cited by OMIM).

NC_012920.1(MT-TL2):m.12297T>C

Gene: MT-TL2 (mitochondrially encoded tRNA leucine 2 (CUN); plus strand).
Variant type: single nucleotide variant.
Genome position: chrM-12297-T-C.
Other names: 12297T-C.
Identifiers: ClinVar variation 9588 (VCV000009588.4), dbSNP rs121434464, ClinGen allele CA120559.